The following is an entry in ClinVar:

ClinVar aggregate classification (germline): Uncertain significance (1 of 4 stars; one submission).

Conditions:
Hereditary spastic paraplegia 28. Also called: Spastic paraplegia 28, autosomal recessive. Identifiers: Orphanet 101008, MedGen C1836295, MONDO:0012256, OMIM 609340.

Submission:

Labcorp Genetics (formerly Invitae), Labcorp
Classification: Uncertain significance for Hereditary spastic paraplegia 28. Last evaluated: 2025-06-02. Review status: criteria provided, single submitter. Criteria: Invitae Variant Classification Sherloc (09022015). Collection method: clinical testing. Allele origin: germline.
Comment: This sequence change replaces histidine, which is basic and polar, with tyrosine, which is neutral and polar, at codon 244 of the DDHD1 protein (p.His244Tyr). This variant is not present in population databases (gnomAD no frequency). This variant has not been reported in the literature in individuals affected with DDHD1-related conditions. ClinVar contains an entry for this variant (Variation ID: 2087181). Invitae Evidence Modeling of protein sequence and biophysical properties (such as structural, functional, and spatial information, amino acid conservation, physicochemical variation, residue mobility, and thermodynamic stability) indicates that this missense variant is not expected to disrupt DDHD1 protein function with a negative predictive value of 80%. In summary, the available evidence is currently insufficient to determine the role of this variant in disease. Therefore, it has been classified as a Variant of Uncertain Significance.

NM_001160148.2(DDHD1):c.730C>T (p.His244Tyr)

Gene: DDHD1 (DDHD domain containing 1; minus strand). Cytogenetic location: 14q22.1.
Variant type: single nucleotide variant.
Coding change: c.730C>T on transcript NM_001160148.2 (MANE Select); coding-DNA position 730, C replaced by T.
Protein change: p.His244Tyr; replaces histidine 244 with tyrosine.
Molecular consequence: missense variant.
Genome position (GRCh38, 1-based): chr14:53,152,369, G>A on the plus strand (C>T on the coding strand, the complement: DDHD1 is on the minus strand). VCF-style: chr14-53152369-G-A. GRCh37 (hg19) VCF-style: chr14-53619087-G-A.
Other names: c.730C>T, p.His244Tyr (NM_001160147.2, NM_030637.3); short protein forms H244Y.
Identifiers: ClinVar variation 2087181 (VCV002087181.4), dbSNP rs2503565199, ClinGen allele CA389779608.